The following is an entry in ClinVar:

ClinVar aggregate classification (germline): Uncertain significance (1 of 4 stars; one submission).

Submission:

Labcorp Genetics (formerly Invitae), Labcorp
Classification: Uncertain significance. Last evaluated: 2025-10-26. Review status: criteria provided, single submitter. Criteria: Invitae Variant Classification Sherloc (09022015). Collection method: clinical testing. Allele origin: germline.
Comment: This sequence change replaces asparagine, which is neutral and polar, with serine, which is neutral and polar, at codon 262 of the RASA2 protein (p.Asn262Ser). This variant is not present in population databases (gnomAD no frequency). This variant has not been reported in the literature in individuals affected with RASA2-related conditions. Invitae Evidence Modeling of protein sequence and biophysical properties (such as structural, functional, and spatial information, amino acid conservation, physicochemical variation, residue mobility, and thermodynamic stability) indicates that this missense variant is not expected to disrupt RASA2 protein function with a negative predictive value of 80%. In summary, the available evidence is currently insufficient to determine the role of this variant in disease. Therefore, it has been classified as a Variant of Uncertain Significance.

NM_006506.5(RASA2):c.785A>G (p.Asn262Ser)

Gene: RASA2 (RAS p21 protein activator 2; plus strand). Cytogenetic location: 3q23.
Variant type: single nucleotide variant.
Coding change: c.785A>G on transcript NM_006506.5 (MANE Select); coding-DNA position 785, A replaced by G.
Protein change: p.Asn262Ser; replaces asparagine 262 with serine.
Molecular consequence: missense variant.
Genome position (GRCh38, 1-based): chr3:141,559,917, A>G. VCF-style: chr3-141559917-A-G. GRCh37 (hg19) VCF-style: chr3-141278759-A-G.
Other names: c.785A>G, p.Asn262Ser (NM_001303245.3, NM_001303246.3); short protein forms N262S.
Identifiers: ClinVar variation 4737025 (VCV004737025.1).